The following is an entry in ClinVar:

NM_002439.5(MSH3):c.1310A>T (p.Glu437Val)

Gene: MSH3 (mutS homolog 3; plus strand). Cytogenetic location: 5q14.1.
Variant type: single nucleotide variant.
Coding change: c.1310A>T on transcript NM_002439.5 (MANE Select); coding-DNA position 1310, A replaced by T.
Protein change: p.Glu437Val; replaces glutamic acid 437 with valine.
Molecular consequence: missense variant.
Genome position (GRCh38, 1-based): chr5:80,679,063, A>T. VCF-style: chr5-80679063-A-T. GRCh37 (hg19) VCF-style: chr5-79974882-A-T.
Other names: short protein forms E437V.
Identifiers: ClinVar variation 1396825 (VCV001396825.6), dbSNP rs1467599861, ClinGen allele CA360269094.
Genomic context (GRCh38, chr5:80,679,063, plus strand): 5'-GGATGTCAAGCCTGCAGCCAGTAGAGCTGCTGCTTCCTTCGGCCTTGTCCGAGCAAACAG[A>T]GGCGCTCATCCACAGAGCCACATCTGTTAGGTAAGTTGGCACATCACTGGAATATAATAC-3'
Protein context (NP_002430.3, residues 427-447): LLPSALSEQT[Glu437Val]ALIHRATSVS

ClinVar aggregate classification (germline): Uncertain significance (1 of 4 stars; one submission).

Submission:

Labcorp Genetics (formerly Invitae), Labcorp
Classification: Uncertain significance. Last evaluated: 2021-12-12. Review status: criteria provided, single submitter. Criteria: Invitae Variant Classification Sherloc (09022015). Collection method: clinical testing. Allele origin: germline.
Comment: In summary, the available evidence is currently insufficient to determine the role of this variant in disease. Therefore, it has been classified as a Variant of Uncertain Significance. Algorithms developed to predict the effect of missense changes on protein structure and function are either unavailable or do not agree on the potential impact of this missense change (SIFT: "Deleterious"; PolyPhen-2: "Possibly Damaging"; Align-GVGD: "Class C0"). This variant has not been reported in the literature in individuals affected with MSH3-related conditions. This variant is not present in population databases (gnomAD no frequency). This sequence change replaces glutamic acid, which is acidic and polar, with valine, which is neutral and non-polar, at codon 437 of the MSH3 protein (p.Glu437Val).